The following is an entry in ClinVar:

NM_152703.5(SAMD9L):c.2677A>C (p.Lys893Gln)

Gene: SAMD9L (sterile alpha motif domain containing 9 like; minus strand). Cytogenetic location: 7q21.2.
Variant type: single nucleotide variant.
Coding change: c.2677A>C on transcript NM_152703.5 (MANE Select); coding-DNA position 2677, A replaced by C.
Protein change: p.Lys893Gln; replaces lysine 893 with glutamine.
Molecular consequence: missense variant.
Genome position (GRCh38, 1-based): chr7:93,133,295, T>G on the plus strand (A>C on the coding strand, the complement: SAMD9L is on the minus strand). VCF-style: chr7-93133295-T-G. GRCh37 (hg19) VCF-style: chr7-92762608-T-G.
Other names: c.2677A>C, p.Lys893Gln (NM_001303496.3, NM_001303497.3, NM_001303498.3 and 5 more transcripts); short protein forms K893Q.
Identifiers: ClinVar variation 4863947 (VCV004863947.1).
Genomic context (GRCh38, chr7:93,133,295, plus strand): 5'-CCTGTCCTTTTAGGATATTCCTGACTACATTTTCTATATATGTTTCATCAAAATTGCTTT[T>G]CATGATCATGAAGGAATAAAAGTTTTCACAGTTCTTGTGCTGCTTTTCAATTTCCTTCAG-3'
Protein context (NP_689916.2, residues 883-903): CENFYSFMIM[Lys893Gln]SNFDETYIEN

ClinVar aggregate classification (germline): Uncertain significance (1 of 4 stars; one submission).

Conditions:
Inborn genetic diseases. Identifiers: MedGen C0950123, MeSH D030342.

Submission:

Ambry Genetics
Classification: Uncertain significance for Inborn genetic diseases. Last evaluated: 2026-04-19. Review status: criteria provided, single submitter. Criteria: Ambry Variant Classification Scheme 2023. Collection method: clinical testing. Allele origin: germline.
Comment: The p.K893Q variant (also known as c.2677A>C), located in coding exon 1 of the SAMD9L gene, results from an A to C substitution at nucleotide position 2677. The lysine at codon 893 is replaced by glutamine, an amino acid with similar properties. This amino acid position is conserved. In addition, this alteration is predicted to be tolerated by in silico analysis. Based on the available evidence, the clinical significance of this variant remains unclear.